The following is an entry in ClinVar:

NM_000440.3(PDE6A):c.196C>T (p.Arg66Trp)

Gene: PDE6A (phosphodiesterase 6A; minus strand). Cytogenetic location: 5q32.
Variant type: single nucleotide variant.
Coding change: c.196C>T on transcript NM_000440.3 (MANE Select); coding-DNA position 196, C replaced by T.
Protein change: p.Arg66Trp; replaces arginine 66 with tryptophan.
Molecular consequence: missense variant.
Genome position (GRCh38, 1-based): chr5:149,944,478, G>A on the plus strand (C>T on the coding strand, the complement: PDE6A is on the minus strand). VCF-style: chr5-149944478-G-A. GRCh37 (hg19) VCF-style: chr5-149324041-G-A.
Other names: short protein forms R66W.
Identifiers: ClinVar variation 837054 (VCV000837054.13), dbSNP rs149945348, ClinGen allele CA3505116.
Genomic context (GRCh38, chr5:149,944,478, plus strand): 5'-ACAGCTTCTTCATGACATTGAAGATGCATTTCTCTGTCTGTAAATTCTCCTGAAAGTCCC[G>A]CAGGAGATCAAAGATGATTTCGCTCTCCTCCATGCTGCTCGGGGAGTGGTAGTTGCTGAA-3'
Protein context (NP_000431.2, residues 56-76): EESEIIFDLL[Arg66Trp]DFQENLQTEK

ClinVar aggregate classification (germline): Uncertain significance. Review status: criteria provided, multiple submitters, no conflicts (2 of 4 stars). 6 submissions from 6 submitters: Uncertain significance (6). Last evaluated 2024-11-05.

Conditions:
Retinitis pigmentosa (RP). Identifiers: Orphanet 791, MedGen C0035334, MeSH D012174, MONDO:0019200, OMIM 268000. Inheritance: Autosomal dominant, autosomal recessive and X linked inheritance.
Inborn genetic diseases. Identifiers: MedGen C0950123, MeSH D030342.
Retinitis pigmentosa 43 (RP43). Identifiers: Orphanet 791, MedGen C3151139, MONDO:0013437, OMIM 613810.
Retinal dystrophy. Also called: Inherited retinal dystrophy. Identifiers: Orphanet 71862, MedGen C0854723, MeSH D058499, MONDO:0019118, HP:0000556.

Allele frequency attached by ClinVar (database versions not stated): ExAC 0.00021; TOPMed 0.00021; gnomAD exomes 0.00024; ESP Exome Variant Server 0.00008; gnomAD 0.00016 and 0.00017.
gnomAD v4.1: 365 of 1,613,952 alleles (0.023%); highest among the groups gnomAD compares: Middle Eastern, 0.049%; no homozygotes.

Submissions (6):

Blueprint Genetics
Classification: Uncertain significance. Last evaluated: 2024-11-05. Review status: criteria provided, single submitter. Criteria: ACMG Guidelines, 2015. Collection method: clinical testing. Allele origin: germline.

Ambry Genetics
Classification: Uncertain significance for Inborn genetic diseases. Last evaluated: 2024-06-17. Review status: criteria provided, single submitter. Criteria: Ambry Variant Classification Scheme 2023. Collection method: clinical testing. Allele origin: germline.

Dept Of Ophthalmology, Nagoya University
Classification: Uncertain significance for Retinal dystrophy. Last evaluated: 2023-10-01. Review status: criteria provided, single submitter. Criteria: Submitter's publication. Collection method: research. Allele origin: germline. Affected: yes.

Labcorp Genetics (formerly Invitae), Labcorp
Classification: Uncertain significance. Last evaluated: 2022-10-05. Review status: criteria provided, single submitter. Criteria: Invitae Variant Classification Sherloc (09022015). Collection method: clinical testing. Allele origin: germline.
Comment: This sequence change replaces arginine, which is basic and polar, with tryptophan, which is neutral and slightly polar, at codon 66 of the PDE6A protein (p.Arg66Trp). This variant is present in population databases (rs149945348, gnomAD 0.05%). This variant has not been reported in the literature in individuals affected with PDE6A-related conditions. ClinVar contains an entry for this variant (Variation ID: 837054). Advanced modeling of protein sequence and biophysical properties (such as structural, functional, and spatial information, amino acid conservation, physicochemical variation, residue mobility, and thermodynamic stability) performed at Invitae indicates that this missense variant is not expected to disrupt PDE6A protein function. In summary, the available evidence is currently insufficient to determine the role of this variant in disease. Therefore, it has been classified as a Variant of Uncertain Significance.

Department of Pathology and Laboratory Medicine, Sinai Health System
Classification: Uncertain significance for Retinitis pigmentosa 43. Last evaluated: 2021-12-22. Review status: criteria provided, single submitter. Criteria: ACMG Guidelines, 2015. Collection method: research. Allele origin: germline.

Illumina Laboratory Services, Illumina
Classification: Uncertain significance for Retinitis pigmentosa. Last evaluated: 2018-01-13. Review status: criteria provided, single submitter. Criteria: ICSL Variant Classification Criteria 13 December 2019. Collection method: clinical testing. Allele origin: germline.